The following is an entry in ClinVar:

NM_015346.4(ZFYVE26):c.1319A>G (p.Asp440Gly)

Gene: ZFYVE26 (zinc finger FYVE-type containing 26; minus strand). Cytogenetic location: 14q24.1.
Variant type: single nucleotide variant.
Coding change: c.1319A>G on transcript NM_015346.4 (MANE Select); coding-DNA position 1319, A replaced by G.
Protein change: p.Asp440Gly; replaces aspartic acid 440 with glycine.
Molecular consequence: missense variant.
Genome position (GRCh38, 1-based): chr14:67,804,217, T>C on the plus strand (A>G on the coding strand, the complement: ZFYVE26 is on the minus strand). VCF-style: chr14-67804217-T-C. GRCh37 (hg19) VCF-style: chr14-68270934-T-C.
Other names: short protein forms D440G.
Identifiers: ClinVar variation 951467 (VCV000951467.6), dbSNP rs200389391, ClinGen allele CA390176903.

ClinVar aggregate classification (germline): Uncertain significance. Review status: criteria provided, multiple submitters, no conflicts (2 of 4 stars). 2 submissions from 2 submitters: Uncertain significance (2). Last evaluated 2025-11-24.

Conditions:
Inborn genetic diseases. Identifiers: MedGen C0950123, MeSH D030342.
Spastic paraplegia. Identifiers: MedGen C0037772, HP:0001258.

Allele frequency attached by ClinVar (database versions not stated): TOPMed below 0.00001.
gnomAD v4.1: 35 of 1,613,978 alleles (0.0022%); highest among the groups gnomAD compares: South Asian, 0.012%; no homozygotes.

Submissions (2):

Labcorp Genetics (formerly Invitae), Labcorp
Classification: Uncertain significance for Spastic paraplegia. Last evaluated: 2025-11-24. Review status: criteria provided, single submitter. Criteria: Invitae Variant Classification Sherloc (09022015). Collection method: clinical testing. Allele origin: germline.
Comment: This sequence change replaces aspartic acid, which is acidic and polar, with glycine, which is neutral and non-polar, at codon 440 of the ZFYVE26 protein (p.Asp440Gly). This variant is present in population databases (no rsID available, gnomAD 0.003%). This variant has not been reported in the literature in individuals affected with ZFYVE26-related conditions. ClinVar contains an entry for this variant (Variation ID: 951467). An algorithm developed to predict the effect of missense changes on protein structure and function outputs the following: PolyPhen-2: "Benign". The glycine amino acid residue is found in multiple mammalian species, which suggests that this missense change does not adversely affect protein function. In summary, the available evidence is currently insufficient to determine the role of this variant in disease. Therefore, it has been classified as a Variant of Uncertain Significance.

Ambry Genetics
Classification: Uncertain significance for Inborn genetic diseases. Last evaluated: 2025-01-18. Review status: criteria provided, single submitter. Criteria: Ambry Variant Classification Scheme 2023. Collection method: clinical testing. Allele origin: germline.